The following is an entry in ClinVar:

NM_007294.4(BRCA1):c.4213A>G (p.Ile1405Val)

Gene: BRCA1 (BRCA1 DNA repair associated; minus strand). Cytogenetic location: 17q21.31.
Variant type: single nucleotide variant.
Coding change: c.4213A>G on transcript NM_007294.4 (MANE Select); coding-DNA position 4213, A replaced by G.
Protein change: p.Ile1405Val; replaces isoleucine 1405 with valine.
Molecular consequence: missense variant. On other transcripts: non-coding transcript variant (1).
Genome position (GRCh38, 1-based): chr17:43,082,548, T>C on the plus strand (A>G on the coding strand, the complement: BRCA1 is on the minus strand). VCF-style: chr17-43082548-T-C. GRCh37 (hg19) VCF-style: chr17-41234565-T-C.
Other names: 4332A>G; c.4069A>G, p.Ile1357Val (NM_001407741.1, NM_001407742.1, NM_001407743.1 and 23 more transcripts); c.4066A>G, p.Ile1356Val (NM_001407847.1, NM_001407848.1, NM_001407849.1); c.4000A>G, p.Ile1334Val (NM_001407853.1, NM_001407894.1, NM_001407895.1 and 12 more transcripts); c.4213A>G, p.Ile1405Val (NM_001407854.1, NM_001407858.1, NM_001407859.1 and 23 more transcripts); c.4210A>G, p.Ile1404Val (NM_001407860.1, NM_001407861.1, NM_001407587.1 and 21 more transcripts); c.4012A>G, p.Ile1338Val (NM_001407862.1); c.4090A>G, p.Ile1364Val (NM_001407863.1, NM_001407919.1, NM_001407937.1 and 13 more transcripts); and 52 more; short protein forms I1405V, I1358V, I302V, I1236V, I1315V, I1316V, I1334V, I1338V.
Identifiers: ClinVar variation 37575 (VCV000037575.31), dbSNP rs80357353, ClinGen allele CA002714.

ClinVar aggregate classification (germline): Likely benign. Review status: criteria provided, multiple submitters, no conflicts (2 of 4 stars). 12 submissions from 12 submitters: Likely benign (8). 4 of the submissions do not count toward it. Last evaluated 2025-11-16.

Conditions:
BRCA1-related cancer predisposition. Identifiers: MedGen CN377757, MONDO:0700268.
Hereditary cancer-predisposing syndrome. Also called: Tumor predisposition; Neoplastic Syndromes, Hereditary; Hereditary Cancer Syndrome; Hereditary neoplastic syndrome. Identifiers: Orphanet 140162, MedGen C0027672, MeSH D009386, MONDO:0015356.
Hereditary breast ovarian cancer syndrome. Also called: Hereditary breast and ovarian cancer syndrome (HBOC); Hereditary breast and ovarian cancer syndrome; Hereditary breast and ovarian cancer; Hereditary breast and/or ovarian cancer syndrome; Breast and ovarian cancer; BRCA1- and BRCA2-Associated Hereditary Breast and Ovarian Cancer. Identifiers: Orphanet 145, MedGen C0677776, MeSH D061325, MONDO:0003582. Disease mechanism: loss of function.
Breast-ovarian cancer, familial, susceptibility to, 1 (BROVCA1). Also called: OVARIAN CANCER, SUSCEPTIBILITY TO; BRCA1 Hereditary Breast and Ovarian Cancer. Identifiers: Orphanet 145, MedGen C2676676, MONDO:0011450, OMIM 604370. Disease mechanism: loss of function.

Allele frequency attached by ClinVar (database versions not stated): gnomAD 0.00001; TOPMed 0.00001; gnomAD exomes 0.00002 and 0.00006; ExAC 0.00004.
gnomAD v4.1: 39 of 1,614,082 alleles (0.0024%); highest among the groups gnomAD compares: South Asian, 0.032%; 1 homozygote.

Submissions (13):

Labcorp Genetics (formerly Invitae), Labcorp
Classification: Likely benign for Hereditary breast ovarian cancer syndrome. Last evaluated: 2025-11-16. Review status: criteria provided, single submitter. Criteria: Invitae Variant Classification Sherloc (09022015). Collection method: clinical testing. Allele origin: germline.

Women's Health and Genetics/Laboratory Corporation of America, LabCorp
Classification: Likely benign. Last evaluated: 2024-11-27. Review status: criteria provided, single submitter. Criteria: LabCorp Variant Classification Summary - May 2015. Collection method: clinical testing. Allele origin: germline.
Comment: Variant summary: BRCA1 c.4213A>G (p.Ile1405Val) results in a conservative amino acid change in the encoded protein sequence. Five of five in-silico tools predict a benign effect of the variant on protein function. The variant allele was found at a frequency of 4.3e-05 in 348962 control chromosomes, predominantly at a frequency of 0.00039 within the South Asian subpopulation in the gnomAD database. This frequency is not significantly higher than estimated for a pathogenic variant in BRCA1 causing Hereditary Breast And Ovarian Cancer Syndrome (4.3e-05 vs 0.001), allowing no conclusion about variant significance. c.4213A>G has been reported in the literature in individuals affected with breast and/or ovarian cancer (e.g. Easton_2007, Shimelis_2017, Santonocito_2019). These reports do not provide unequivocal conclusions about association of the variant with Hereditary Breast And Ovarian Cancer Syndrome. Several publications report experimental evidence evaluating an impact on protein function by measuring transcriptional activity in a yeast-based system, and when combined with computational algorithms predicting variant effects, classified the variant as "likely not pathogenic" (e.g. Woods_2016, Fernandes_2019). The following publications have been ascertained in the context of this evaluation (PMID: 15235020, 17924331, 18259752, 28283652, 28781887, 30765603, 32438681). ClinVar contains an entry for this variant (Variation ID: 37575). Based on the evidence outlined above, the variant was classified as likely benign.

All of Us Research Program, National Institutes of Health
Classification: Likely benign for BRCA1-related cancer predisposition. Last evaluated: 2024-04-16. Review status: criteria provided, single submitter. Criteria: ACMG Guidelines, 2015. Collection method: clinical testing. Allele origin: germline. Inheritance: Autosomal dominant inheritance. Observed: 6 variant alleles, 6 heterozygotes.
Comment: This study involves interpretation of variants in research participants for the purpose of population health screening. Participant phenotype was not available at the time of variant classification. Additional details can be found in publication PMID: 35346344, PMCID: PMC8962531

Blueprint Genetics
Classification: Likely benign. Last evaluated: 2023-06-26. Review status: criteria provided, single submitter. Criteria: ACMG Guidelines, 2015. Collection method: clinical testing. Allele origin: germline.

GeneDx
Classification: Likely benign. Last evaluated: 2020-02-18. Review status: criteria provided, single submitter. Criteria: GeneDx Variant Classification Process June 2021. Collection method: clinical testing. Allele origin: germline. Affected: yes.
Comment: This variant is associated with the following publications: (PMID: 12080089, 15235020, 18259752, 15385441, 17924331)

Ambry Genetics
Classification: Likely benign for Hereditary cancer-predisposing syndrome. Last evaluated: 2019-03-28. Review status: criteria provided, single submitter. Criteria: Ambry Variant Classification Scheme 2023. Collection method: clinical testing. Allele origin: germline.

PreventionGenetics, part of Exact Sciences
Classification: Likely benign. Last evaluated: 2017-10-05. Review status: criteria provided, single submitter. Criteria: ACMG Guidelines, 2015. Collection method: clinical testing. Allele origin: germline.

Color Diagnostics, LLC DBA Color Health
Classification: Likely benign for Hereditary cancer-predisposing syndrome. Last evaluated: 2016-01-04. Review status: criteria provided, single submitter. Criteria: ACMG Guidelines, 2015. Collection method: clinical testing. Allele origin: germline.

Counsyl
Classification: Uncertain significance for Breast-ovarian cancer, familial, susceptibility to, 1. Last evaluated: 2017-09-25. Review status: no assertion criteria provided. Collection method: clinical testing. Allele origin: unknown. Not counted in ClinVar's aggregate classification.

Sharing Clinical Reports Project (SCRP)
Classification: Benign for Breast-ovarian cancer, familial 1. Last evaluated: 2011-04-25. Review status: no assertion criteria provided. Collection method: clinical testing. Allele origin: germline. Not counted in ClinVar's aggregate classification.

Breast Cancer Information Core (BIC) (BRCA1)
Classification: Uncertain significance for Breast-ovarian cancer, familial 1. Last evaluated: 1999-04-05. Review status: no assertion criteria provided. Collection method: clinical testing. Allele origin: germline. Affected: yes. Observed: 2 variant alleles. Not counted in ClinVar's aggregate classification.

Department of Pathology and Laboratory Medicine, Sinai Health System
Classification: Uncertain significance for Breast-ovarian cancer, familial, susceptibility to, 1. Review status: no assertion criteria provided. Collection method: clinical testing. Allele origin: unknown. Affected: yes. Study: The Canadian Open Genetics Repository (COGR). Not counted in ClinVar's aggregate classification.
Comment: The BRCA1 p.Ile1405Val variant was identified in the literature; however, the frequency of this variant in an affected population was not provided (Abkevich 2004, Easton 2007). The variant was also identified in dbSNP (ID: rs80357353) as "With other allele", ClinVar (classified as benign by SCRP; as likely benign by Invitae, Ambry Genetics, GeneDx, and two other submitters; and as uncertain significance by Counsyl and BIC), COGR, MutDB , LOVD 3.0 (2x ), UMD-LSDB (2x unclassified variant), and BIC Database (2x with unknown significance). The variant was not identified in Cosmic, ARUP Laboratories, or Zhejiang University Database. The variant was identified in control databases in 15 of 246146 chromosomes at a frequency of 0.00006 (Genome Aggregation Database Feb 27, 2017). The variant was observed in the following populations: European in 3 of 111622 chromosomes (freq: 0.00003) and South Asian in 12 of 30782 chromosomes (freq: 0.0004), while the variant was not observed in the African, Other, Latino, Ashkenazi Jewish, East Asian, or Finnish populations. The p.Ile1405 residue is not conserved in mammals and computational analyses (PolyPhen-2, SIFT, AlignGVGD, BLOSUM, MutationTaster) do not suggest a high likelihood of impact to the protein; however, this information is not predictive enough to rule out pathogenicity. The variant occurs outside of the splicing consensus sequence and 3 of 4 in silico or computational prediction software programs (SpliceSiteFinder, MaxEntScan, NNSPLICE, GeneSplicer) predict a greater than 10% difference in splicing. However, this information is not predictive enough to assume pathogenicity. In summary, based on the above information, the clinical significance of this variant cannot be determined with certainty at this time. This variant is classified as a variant of uncertain significance.

Dr. Peter K. Rogan Lab, Western University
No classification provided (evidence only). Condition: Familial cancer of breast. Review status: no classification provided. Collection method: in vitro. Allele origin: not applicable. Functional consequence: retained intron. Not counted in ClinVar's aggregate classification.

Literature cited by the submitters: PubMed 15235020 (cited by Women's Health and Genetics/Laboratory Corporation of America, LabCorp); PubMed 17924331 (cited by Women's Health and Genetics/Laboratory Corporation of America, LabCorp and Counsyl); PubMed 18259752 (cited by Women's Health and Genetics/Laboratory Corporation of America, LabCorp and Counsyl); PubMed 28283652 (cited by Women's Health and Genetics/Laboratory Corporation of America, LabCorp and Counsyl); PubMed 28781887 (cited by 3 submitters); PubMed 30765603 (cited by Women's Health and Genetics/Laboratory Corporation of America, LabCorp); PubMed 32438681 (cited by Women's Health and Genetics/Laboratory Corporation of America, LabCorp); PubMed 28873162 (cited by Counsyl); PubMed 12080089 (cited by Counsyl).